The following is an entry in ClinVar:

ClinVar aggregate classification (germline): Uncertain significance (1 of 4 stars; one submission).

gnomAD v4.1: 1 of 1,611,668 alleles (0.000062%); highest among the groups gnomAD compares: Non-Finnish European, 0.000085%; no homozygotes.

Submission:

GeneDx
Classification: Uncertain significance. Last evaluated: 2026-01-28. Review status: criteria provided, single submitter. Criteria: GeneDx Variant Classification Process June 2021. Collection method: clinical testing. Allele origin: germline.
Comment: Not observed at significant frequency in large population cohorts (gnomAD); In silico analysis supports that this missense variant has a deleterious effect on protein structure/function; Has not been previously published as pathogenic or benign to our knowledge

NM_006922.4(SCN3A):c.319G>A (p.Ala107Thr)

Gene: SCN3A (sodium voltage-gated channel alpha subunit 3; minus strand). Cytogenetic location: 2q24.3.
Variant type: single nucleotide variant.
Coding change: c.319G>A on transcript NM_006922.4 (MANE Select); coding-DNA position 319, G replaced by A.
Protein change: p.Ala107Thr; replaces alanine 107 with threonine.
Molecular consequence: missense variant.
Genome position (GRCh38, 1-based): chr2:165,170,494, C>T on the plus strand (G>A on the coding strand, the complement: SCN3A is on the minus strand). VCF-style: chr2-165170494-C-T. GRCh37 (hg19) VCF-style: chr2-166027004-C-T.
Other names: c.319G>A, p.Ala107Thr (NM_001081676.2, NM_001081677.2); short protein forms A107T.
Identifiers: ClinVar variation 4975775 (VCV004975775.1).
Genomic context (GRCh38, chr2:165,170,494, plus strand): 5'-GTACCAAAATCTTGATAGCAATTTTCCTAACAGGGTTTAGTGGAGTTAAAATATACAAGG[C>T]AGAGGTGGCACTGAATCGGAAAATTGCCTTTCCTTTATTCATTACTATAAAAGTCTGAAA-3'
Protein context (NP_008853.3, residues 97-117): KAIFRFSATS[Ala107Thr]LYILTPLNPV